The following is an entry in ClinVar:

ClinVar aggregate classification (germline): Benign/Likely benign. Review status: criteria provided, multiple submitters, no conflicts (2 of 4 stars). 3 submissions from 3 submitters: Benign (1); Likely benign (2). Last evaluated 2026-01-18.

Conditions:
Hereditary cancer-predisposing syndrome. Also called: Tumor predisposition; Hereditary Cancer Syndrome; Neoplastic Syndromes, Hereditary; Hereditary neoplastic syndrome. Identifiers: Orphanet 140162, MedGen C0027672, MeSH D009386, MONDO:0015356.
Tuberous sclerosis 2 (TSC2). Identifiers: Orphanet 805, MedGen C1860707, MONDO:0013199, OMIM 613254.

Allele frequency attached by ClinVar (database versions not stated): gnomAD exomes below 0.00001.
gnomAD v4.1: 1 of 1,612,762 alleles (0.000062%); highest among the groups gnomAD compares: Admixed American, 0.0017%; no homozygotes.

Submissions (3):

Labcorp Genetics (formerly Invitae), Labcorp
Classification: Likely benign for Tuberous sclerosis 2. Last evaluated: 2026-01-18. Review status: criteria provided, single submitter. Criteria: Invitae Variant Classification Sherloc (09022015). Collection method: clinical testing. Allele origin: germline.

Myriad Genetics, Inc.
Classification: Benign for Tuberous sclerosis 2. Last evaluated: 2025-06-04. Review status: criteria provided, single submitter. Criteria: Myriad Autosomal Dominant, Autosomal Recessive and X-Linked Classification Criteria (2023). Collection method: clinical testing. Allele origin: unknown.
Comment: This variant is considered benign. This variant is a silent/synonymous amino acid change and it is not expected to impact splicing.

Ambry Genetics
Classification: Likely benign for Hereditary cancer-predisposing syndrome. Last evaluated: 2020-07-30. Review status: criteria provided, single submitter. Criteria: Ambry Variant Classification Scheme 2023. Collection method: clinical testing. Allele origin: germline.

NM_000548.5(TSC2):c.4575G>A (p.Gln1525=)

Gene: TSC2 (TSC complex subunit 2; plus strand). Cytogenetic location: 16p13.3.
Variant type: single nucleotide variant.
Coding change: c.4575G>A on transcript NM_000548.5 (MANE Select); coding-DNA position 4575, G replaced by A.
Protein change: p.Gln1525=; no amino-acid change (glutamine 1525 retained).
Molecular consequence: synonymous variant.
Genome position (GRCh38, 1-based): chr16:2,085,235, G>A. VCF-style: chr16-2085235-G-A. GRCh37 (hg19) VCF-style: chr16-2135236-G-A.
Other names: c.4374G>A, p.Gln1458= (NM_001077183.3); c.4506G>A, p.Gln1502= (NM_001114382.3); c.4266G>A, p.Gln1422= (NM_001318827.2); c.4230G>A, p.Gln1410= (NM_001318829.2); c.3843G>A, p.Gln1281= (NM_001318831.2); c.4407G>A, p.Gln1469= (NM_001318832.2); c.4377G>A, p.Gln1459= (NM_001363528.2); c.4443G>A, p.Gln1481= (NM_001370404.1); and 1 more.
Identifiers: ClinVar variation 743154 (VCV000743154.14), dbSNP rs1596426497, ClinGen allele CA492957830.